The following is an entry in ClinVar:

ClinVar aggregate classification (germline): Uncertain significance. Review status: criteria provided, single submitter (1 of 4 stars). 2 submissions from 2 submitters: Uncertain significance (1). 1 of the submissions does not count toward it. Last evaluated 2022-06-04.

Conditions:
Congenital myasthenic syndrome (CMS). Also called: Congenital Myasthenic Syndromes. Identifiers: Orphanet 590, MedGen C0751882, MeSH D020294, MONDO:0018940.
Congenital myasthenic syndrome 4A. Also called: CONGENITAL MYASTHENIC SYNDROME TYPE Ia1; Myasthenic syndrome, congenital, 4a, slow-channel; MYASTHENIC SYNDROME, CONGENITAL, 4A, SLOW-CHANNEL, AUTOSOMAL RECESSIVE. Identifiers: Orphanet 590, MedGen C4225413, MONDO:0011600, OMIM 605809.

Allele frequency attached by ClinVar (database versions not stated): gnomAD exomes below 0.00001 and 0.00001; gnomAD 0.00001; TOPMed 0.00001.
gnomAD v4.1: 4 of 1,548,226 alleles (0.00026%); highest among the groups gnomAD compares: African/African-American, 0.0055%; no homozygotes.

Submissions (2):

Labcorp Genetics (formerly Invitae), Labcorp
Classification: Uncertain significance for Congenital myasthenic syndrome 4A. Last evaluated: 2022-06-04. Review status: criteria provided, single submitter. Criteria: Invitae Variant Classification Sherloc (09022015). Collection method: clinical testing. Allele origin: germline.
Comment: This sequence change replaces proline, which is neutral and non-polar, with serine, which is neutral and polar, at codon 360 of the CHRNE protein (p.Pro360Ser). This variant is present in population databases (no rsID available, gnomAD 0.01%). This variant has not been reported in the literature in individuals affected with CHRNE-related conditions. ClinVar contains an entry for this variant (Variation ID: 641751). Advanced modeling of protein sequence and biophysical properties (such as structural, functional, and spatial information, amino acid conservation, physicochemical variation, residue mobility, and thermodynamic stability) performed at Invitae indicates that this missense variant is not expected to disrupt CHRNE protein function. In summary, the available evidence is currently insufficient to determine the role of this variant in disease. Therefore, it has been classified as a Variant of Uncertain Significance.

Natera, Inc.
Classification: Uncertain significance for Congenital myasthenic syndrome. Last evaluated: 2021-08-31. Review status: no assertion criteria provided. Collection method: clinical testing. Allele origin: germline. Not counted in ClinVar's aggregate classification.

NM_000080.4(CHRNE):c.1078C>T (p.Pro360Ser)

Genes: CHRNE (cholinergic receptor nicotinic epsilon subunit; minus strand), LOC130060041 (ATAC-STARR-seq lymphoblastoid silent region 8050; plus strand). Cytogenetic location: 17p13.2.
Variant type: single nucleotide variant.
Coding change: c.1078C>T on transcript NM_000080.4 (MANE Select); coding-DNA position 1078, C replaced by T.
Protein change: p.Pro360Ser; replaces proline 360 with serine.
Molecular consequence: missense variant.
Genome position (GRCh38, 1-based): chr17:4,899,339, G>A on the plus strand (C>T on the coding strand, the complement: CHRNE is on the minus strand). VCF-style: chr17-4899339-G-A. GRCh37 (hg19) VCF-style: chr17-4802634-G-A.
Other names: c.1078C>T, p.Pro360Ser (LRG_1254t1); short protein forms P360S.
Identifiers: ClinVar variation 641751 (VCV000641751.12), dbSNP rs998988224, ClinGen allele CA287180296.